The following is an entry in ClinVar:

NM_206933.4(USH2A):c.14876G>A (p.Gly4959Asp)

Gene: USH2A (usherin; minus strand). Cytogenetic location: 1q41.
Variant type: single nucleotide variant.
Coding change: c.14876G>A on transcript NM_206933.4 (MANE Select); coding-DNA position 14876, G replaced by A.
Protein change: p.Gly4959Asp; replaces glycine 4959 with aspartic acid.
Molecular consequence: missense variant.
Genome position (GRCh38, 1-based): chr1:215,640,650, C>T on the plus strand (G>A on the coding strand, the complement: USH2A is on the minus strand). VCF-style: chr1-215640650-C-T. GRCh37 (hg19) VCF-style: chr1-215813992-C-T.
Other names: short protein forms G4959D.
Identifiers: ClinVar variation 861538 (VCV000861538.11), dbSNP rs1656647412, ClinGen allele CA344827978.

ClinVar aggregate classification (germline): Uncertain significance. Review status: criteria provided, multiple submitters, no conflicts (2 of 4 stars). 3 submissions from 3 submitters: Uncertain significance (2). 1 of the submissions does not count toward it. Last evaluated 2025-09-04.

Conditions:
Usher syndrome type 2A. Also called: RETINAL DISEASE IN USHER SYNDROME TYPE IIA, MODIFIER OF; USHER SYNDROME, TYPE IIA. Identifiers: Orphanet 231178, Orphanet 886, MedGen C1848634, MONDO:0010169, OMIM 276901.

Submissions (3):

Women's Health and Genetics/Laboratory Corporation of America, LabCorp
Classification: Uncertain significance. Last evaluated: 2025-09-04. Review status: criteria provided, single submitter. Criteria: LabCorp Variant Classification Summary - May 2015. Collection method: clinical testing. Allele origin: germline.
Comment: Variant summary: USH2A c.14876G>A (p.Gly4959Asp) results in a non-conservative amino acid change in the encoded protein sequence. Algorithms developed to predict the effect of missense changes on protein structure and function are either unavailable or do not agree on the potential impact of this missense change. The variant was absent in 251296 control chromosomes. The available data on variant occurrences in the general population are insufficient to allow any conclusion about variant significance. c.14876G>A has been observed in the compound heterozygous state in at least one individual affected with retinitis pigmentosa (Liu_2024). These data do not allow any conclusion about variant significance. To our knowledge, no experimental evidence demonstrating an impact on protein function has been reported. The following publication have been ascertained in the context of this evaluation (PMID: 38282009). ClinVar contains an entry for this variant (Variation ID: 861538). Based on the evidence outlined above, the variant was classified as uncertain significance.

Labcorp Genetics (formerly Invitae), Labcorp
Classification: Uncertain significance. Last evaluated: 2022-02-04. Review status: criteria provided, single submitter. Criteria: Invitae Variant Classification Sherloc (09022015). Collection method: clinical testing. Allele origin: germline.
Comment: Algorithms developed to predict the effect of missense changes on protein structure and function are either unavailable or do not agree on the potential impact of this missense change (SIFT: "Deleterious"; PolyPhen-2: "Probably Damaging"; Align-GVGD: "Class C0"). In summary, the available evidence is currently insufficient to determine the role of this variant in disease. Therefore, it has been classified as a Variant of Uncertain Significance. ClinVar contains an entry for this variant (Variation ID: 861538). This missense change has been observed in individuals with retinitis pigmentosa (PMID: 33090715). This variant is not present in population databases (gnomAD no frequency). This sequence change replaces glycine, which is neutral and non-polar, with aspartic acid, which is acidic and polar, at codon 4959 of the USH2A protein (p.Gly4959Asp).

Natera, Inc.
Classification: Uncertain significance for Usher syndrome type 2A. Last evaluated: 2020-12-29. Review status: no assertion criteria provided. Collection method: clinical testing. Allele origin: germline. Not counted in ClinVar's aggregate classification.

Literature cited by the submitters: PubMed 38282009 (cited by Women's Health and Genetics/Laboratory Corporation of America, LabCorp); PubMed 33090715 (cited by Labcorp Genetics (formerly Invitae), Labcorp).